The following is an entry in ClinVar:

ClinVar aggregate classification (germline): Uncertain significance (1 of 4 stars; one submission).

Conditions:
Retinitis pigmentosa (RP). Identifiers: Orphanet 791, MedGen C0035334, MeSH D012174, MONDO:0019200, OMIM 268000. Inheritance: Autosomal dominant, autosomal recessive and X linked inheritance.

Submission:

Victorian Clinical Genetics Services, Murdoch Childrens Research Institute
Classification: Uncertain significance for Retinitis pigmentosa. Last evaluated: 2020-05-26. Review status: criteria provided, single submitter. Criteria: ACMG Guidelines, 2015. Collection method: clinical testing. Allele origin: germline. Inheritance: Autosomal recessive inheritance.
Comment: Based on the classification scheme VCGS_Germline_v1.1.1, this variant is classified as 3B - VUS. Following criteria are met: 0105 - The mechanism of disease for this gene is not clearly established. (N) 0108 - This gene has been reported with both recessive (PMID: 26662040) and dominant disease (PMID: 27655171), however, additional evidence is required to support gene disease association. 0200 - Variant is predicted to result in a missense amino acid change from valine to phenylalanine (exon 5). (N) 0251 - Variant is heterozygous. (N) 0301 - Variant is absent from gnomAD. (P) 0309 - An alternative amino acid change at the same position has been observed in gnomAD (1 heterozygote, 0 homozygotes). (N) 0502 - Missense variant with conflicting in silico predictions and/or uninformative conservation. (N) 0600 - Variant is located in an annotated domain or motif. (Haemolysin III related domain; NCBI conserved domains) (N) 0705 - No comparable variants have previous evidence for pathogenicity. (N) 0807 - Variant has not previously been reported in a clinical context. (N) 0905 - No segregation evidence has been identified for this variant. (N) 1007 - No published functional evidence has been identified for this variant. (N) 1208 - Inheritance information for this variant is not currently available. (N) Legend: (P) - Pathogenic, (N) - Neutral, (B) - Benign

Literature cited by the submitters: PubMed 26662040; PubMed 27655171.

NM_015999.6(ADIPOR1):c.598G>T (p.Val200Phe)

Gene: ADIPOR1 (adiponectin receptor 1; minus strand). Cytogenetic location: 1q32.1.
Variant type: single nucleotide variant.
Coding change: c.598G>T on transcript NM_015999.6 (MANE Select); coding-DNA position 598, G replaced by T.
Protein change: p.Val200Phe; replaces valine 200 with phenylalanine.
Molecular consequence: missense variant.
Genome position (GRCh38, 1-based): chr1:202,945,002, C>A on the plus strand (G>T on the coding strand, the complement: ADIPOR1 is on the minus strand). VCF-style: chr1-202945002-C-A. GRCh37 (hg19) VCF-style: chr1-202914130-C-A.
Other names: c.598G>T, p.Val200Phe (NM_001290553.2, NM_001290557.1, NM_001290629.1); short protein forms V200F.
Identifiers: ClinVar variation 3376602 (VCV003376602.1).